The following is an entry in ClinVar:

ClinVar aggregate classification (germline): Uncertain significance (1 of 4 stars; one submission).

Conditions:
Primary ciliary dyskinesia. Also called: Ciliary dyskinesia. Identifiers: Orphanet 244, MedGen C0008780, MONDO:0016575, HP:0012265.

Allele frequency attached by ClinVar (database versions not stated): ExAC 0.00001; gnomAD exomes 0.00001; TOPMed 0.00001.
gnomAD v4.1: 6 of 1,211,668 alleles (0.0005%); highest among the groups gnomAD compares: South Asian, 0.0053%; no homozygotes.

Submission:

Labcorp Genetics (formerly Invitae), Labcorp
Classification: Uncertain significance for Primary ciliary dyskinesia. Last evaluated: 2024-11-29. Review status: criteria provided, single submitter. Criteria: Invitae Variant Classification Sherloc (09022015). Collection method: clinical testing. Allele origin: germline.
Comment: This sequence change replaces arginine, which is basic and polar, with histidine, which is basic and polar, at codon 409 of the RPGR protein (p.Arg409His). This variant is present in population databases (rs746041459, gnomAD 0.01%). This variant has not been reported in the literature in individuals affected with RPGR-related conditions. ClinVar contains an entry for this variant (Variation ID: 2144527). Invitae Evidence Modeling of protein sequence and biophysical properties (such as structural, functional, and spatial information, amino acid conservation, physicochemical variation, residue mobility, and thermodynamic stability) has been performed for this missense variant. However, the output from this modeling did not meet the statistical confidence thresholds required to predict the impact of this variant on RPGR protein function. In summary, the available evidence is currently insufficient to determine the role of this variant in disease. Therefore, it has been classified as a Variant of Uncertain Significance.

NM_001034853.2(RPGR):c.1226G>A (p.Arg409His)

Gene: RPGR (retinitis pigmentosa GTPase regulator; minus strand). Cytogenetic location: Xp11.4.
Variant type: single nucleotide variant.
Coding change: c.1226G>A on transcript NM_001034853.2 (MANE Select); coding-DNA position 1226, G replaced by A.
Protein change: p.Arg409His; replaces arginine 409 with histidine.
Molecular consequence: missense variant. On other transcripts: non-coding transcript variant (6), intron variant (2).
Genome position (GRCh38, 1-based): chrX:38,298,975, C>T on the plus strand (G>A on the coding strand, the complement: RPGR is on the minus strand). VCF-style: chrX-38298975-C-T. GRCh37 (hg19) VCF-style: chrX-38158228-C-T.
Other names: c.1226G>A, p.Arg409His (NM_000328.3, NM_001367247.1); c.1223G>A, p.Arg408His (NM_001367245.1, NM_001367249.1, NM_001367250.1); c.1256G>A, p.Arg419His (NM_001367248.1); c.1060-1523G>A (NM_001367251.1, NM_001367246.1); short protein forms R409H, R408H, R419H.
Identifiers: ClinVar variation 2144527 (VCV002144527.4), dbSNP rs746041459, ClinGen allele CA10385517.